The following is an entry in ClinVar:

NM_025137.4(SPG11):c.3848G>A (p.Cys1283Tyr)

Gene: SPG11 (SPG11 vesicle trafficking associated, spatacsin; minus strand). Cytogenetic location: 15q21.1.
Variant type: single nucleotide variant.
Coding change: c.3848G>A on transcript NM_025137.4 (MANE Select); coding-DNA position 3848, G replaced by A.
Protein change: p.Cys1283Tyr; replaces cysteine 1283 with tyrosine.
Molecular consequence: missense variant.
Genome position (GRCh38, 1-based): chr15:44,598,675, C>T on the plus strand (G>A on the coding strand, the complement: SPG11 is on the minus strand). VCF-style: chr15-44598675-C-T. GRCh37 (hg19) VCF-style: chr15-44890873-C-T.
Other names: c.3848G>A (NM_025137.3); c.3848G>A, p.Cys1283Tyr (NM_001160227.2); short protein forms C1283Y.
Identifiers: ClinVar variation 1490152 (VCV001490152.4), dbSNP rs745718551, ClinGen allele CA7534847.

ClinVar aggregate classification (germline): Uncertain significance. Review status: criteria provided, multiple submitters, no conflicts (2 of 4 stars). 2 submissions from 2 submitters: Uncertain significance (2). Last evaluated 2025-05-25.

Conditions:
Hereditary spastic paraplegia 11. Also called: Nakamura Osame syndrome; Autosomal recessive hereditary spastic paraplegia, mental impairment, and thin corpus callosum; SPASTIC PARAPLEGIA, AUTOSOMAL RECESSIVE, COMPLICATED, WITH THIN CORPUS CALLOSUM; SPASTIC PARAPLEGIA, AUTOSOMAL RECESSIVE, WITH MENTAL IMPAIRMENT AND THIN CORPUS CALLOSUM; Spastic paraplegia, mental retardation and thin corpus callosum; Spastic Paraplegia 11. Identifiers: Orphanet 2822, MedGen C1858479, MONDO:0011445, OMIM 604360.
Inborn genetic diseases. Identifiers: MedGen C0950123, MeSH D030342.

Allele frequency attached by ClinVar (database versions not stated): ExAC 0.00001; TOPMed 0.00002; gnomAD 0.00003 and 0.00004.
gnomAD v4.1: 8 of 1,614,102 alleles (0.0005%); highest among the groups gnomAD compares: African/African-American, 0.011%; no homozygotes.

Submissions (2):

Ambry Genetics
Classification: Uncertain significance for Inborn genetic diseases. Last evaluated: 2025-05-25. Review status: criteria provided, single submitter. Criteria: Ambry Variant Classification Scheme 2023. Collection method: clinical testing. Allele origin: germline.

Labcorp Genetics (formerly Invitae), Labcorp
Classification: Uncertain significance for Hereditary spastic paraplegia 11. Last evaluated: 2022-03-01. Review status: criteria provided, single submitter. Criteria: Invitae Variant Classification Sherloc (09022015). Collection method: clinical testing. Allele origin: germline.
Comment: This sequence change replaces cysteine, which is neutral and slightly polar, with tyrosine, which is neutral and polar, at codon 1283 of the SPG11 protein (p.Cys1283Tyr). This variant is present in population databases (rs745718551, gnomAD 0.007%). This variant has not been reported in the literature in individuals affected with SPG11-related conditions. Algorithms developed to predict the effect of missense changes on protein structure and function output the following: SIFT: "Tolerated"; PolyPhen-2: "Benign"; Align-GVGD: "Class C0". The tyrosine amino acid residue is found in multiple mammalian species, which suggests that this missense change does not adversely affect protein function. In summary, the available evidence is currently insufficient to determine the role of this variant in disease. Therefore, it has been classified as a Variant of Uncertain Significance.